The following is an entry in ClinVar:

ClinVar aggregate classification (germline): Uncertain significance (1 of 4 stars; one submission).

gnomAD v4.1: 8 of 1,594,024 alleles (0.0005%); highest among the groups gnomAD compares: African/African-American, 0.0013%; no homozygotes.

Submission:

Ambry Genetics
Classification: Uncertain significance. Last evaluated: 2025-11-03. Review status: criteria provided, single submitter. Criteria: Ambry Variant Classification Scheme 2023. Collection method: clinical testing. Allele origin: germline.
Comment: The c.878C>T (p.S293L) alteration is located in exon 6 (coding exon 6) of the STK17A gene. This alteration results from a C to T substitution at nucleotide position 878, causing the serine (S) at amino acid position 293 to be replaced by a leucine (L). Based on data from gnomAD, the T allele has an overall frequency of 0.002% (4/268070) total alleles studied. The highest observed frequency was 0.005% (1/19204) of East Asian alleles. Based on insufficient or conflicting evidence, the clinical significance of this alteration remains unclear.

NM_004760.3(STK17A):c.878C>T (p.Ser293Leu)

Genes: COA1 (cytochrome c oxidase assembly factor 1; minus strand), STK17A (serine/threonine kinase 17a; plus strand). Cytogenetic location: 7p13.
Variant type: single nucleotide variant.
Coding change: c.878C>T on transcript NM_004760.3 (MANE Select); coding-DNA position 878, C replaced by T.
Protein change: p.Ser293Leu; replaces serine 293 with leucine.
Molecular consequence: missense variant.
Genome position (GRCh38, 1-based): chr7:43,623,846, C>T. VCF-style: chr7-43623846-C-T. GRCh37 (hg19) VCF-style: chr7-43663445-C-T.
Other names: short protein forms S293L.
Identifiers: ClinVar variation 4590638 (VCV004590638.1).
Genomic context (GRCh38, chr7:43,623,846, plus strand): 5'-TAAACATCTCACAGATGAATTTAAGTTATTCTGAGGAAGAATTTGATGTTTTGTCTGAGT[C>T]GGCTGTTGATTTCATCAGGACACTTTTAGTTAAGAAACCTGAGTAAGTATTATTTTTATT-3'
Protein context (NP_004751.2, residues 283-303): SEEEFDVLSE[Ser293Leu]AVDFIRTLLV